The following is an entry in ClinVar:

NM_022918.4(TMEM135):c.1289G>C (p.Gly430Ala)

Gene: TMEM135 (transmembrane protein 135; plus strand). Cytogenetic location: 11q14.2.
Variant type: single nucleotide variant.
Coding change: c.1289G>C on transcript NM_022918.4 (MANE Select); coding-DNA position 1289, G replaced by C.
Protein change: p.Gly430Ala; replaces glycine 430 with alanine.
Molecular consequence: missense variant. On other transcripts: non-coding transcript variant (1).
Genome position (GRCh38, 1-based): chr11:87,321,245, G>C. VCF-style: chr11-87321245-G-C. GRCh37 (hg19) VCF-style: chr11-87032287-G-C.
Other names: c.1223G>C, p.Gly408Ala (NM_001168724.2); short protein forms G408A, G430A.
Identifiers: ClinVar variation 3056487 (VCV003056487.2), dbSNP rs11235097, ClinGen allele CA6219117.

ClinVar aggregate classification (germline): Benign (0 of 4 stars; one submission).

Conditions:
TMEM135-related disorder. Also called: TMEM135-related condition.

Allele frequency attached by ClinVar (database versions not stated): ESP Exome Variant Server 0.02277; gnomAD 0.02882; gnomAD exomes 0.02924; TOPMed 0.03068; ExAC 0.04220; 1000 Genomes Project 30x 0.05949; 1000 Genomes Project 0.06350.
gnomAD v4.1: 47,495 of 1,613,404 alleles (2.9%); highest among the groups gnomAD compares: East Asian, 17%; 1,433 homozygotes.

Submission:

PreventionGenetics, part of Exact Sciences
Classification: Benign for TMEM135-related condition. Last evaluated: 2019-03-14. Review status: no assertion criteria provided. Collection method: clinical testing. Allele origin: germline.
Comment: This variant is classified as benign based on ACMG/AMP sequence variant interpretation guidelines (Richards et al. 2015 PMID: 25741868, with internal and published modifications).